The following is an entry in ClinVar:

ClinVar aggregate classification (germline): Uncertain significance (1 of 4 stars; one submission).

Conditions:
Cornelia de Lange syndrome 1 (CDLS1). Also called: Brachmann de Lange syndrome; NIPBL-Related Cornelia de Lange Syndrome; TYPUS DEGENERATIVUS AMSTELODAMENSIS. Identifiers: Orphanet 199, MedGen C4551851, MONDO:0007387, OMIM 122470.

Submission:

Labcorp Genetics (formerly Invitae), Labcorp
Classification: Uncertain significance for Cornelia de Lange syndrome 1. Last evaluated: 2022-11-04. Review status: criteria provided, single submitter. Criteria: Invitae Variant Classification Sherloc (09022015). Collection method: clinical testing. Allele origin: germline.
Comment: In summary, the available evidence is currently insufficient to determine the role of this variant in disease. Therefore, it has been classified as a Variant of Uncertain Significance. Advanced modeling of protein sequence and biophysical properties (such as structural, functional, and spatial information, amino acid conservation, physicochemical variation, residue mobility, and thermodynamic stability) performed at Invitae indicates that this missense variant is expected to disrupt NIPBL protein function. This variant has not been reported in the literature in individuals affected with NIPBL-related conditions. This variant is not present in population databases (gnomAD no frequency). This sequence change replaces leucine, which is neutral and non-polar, with proline, which is neutral and non-polar, at codon 65 of the NIPBL protein (p.Leu65Pro).

NM_133433.4(NIPBL):c.194T>C (p.Leu65Pro)

Gene: NIPBL (NIPBL cohesin loading factor; plus strand). Cytogenetic location: 5p13.2.
Variant type: single nucleotide variant.
Coding change: c.194T>C on transcript NM_133433.4 (MANE Select); coding-DNA position 194, T replaced by C.
Protein change: p.Leu65Pro; replaces leucine 65 with proline.
Molecular consequence: missense variant.
Genome position (GRCh38, 1-based): chr5:36,955,601, T>C. VCF-style: chr5-36955601-T-C. GRCh37 (hg19) VCF-style: chr5-36955703-T-C.
Other names: c.194T>C, p.Leu65Pro (NM_015384.5); short protein forms L65P.
Identifiers: ClinVar variation 2811952 (VCV002811952.3), dbSNP rs2478987276, ClinGen allele CA359474409.
Genomic context (GRCh38, chr5:36,955,601, plus strand): 5'-GAATAGCAGAAGAGGTGAACTGCCTTTTGGCTTGTAGGGATGACAATTTGGTTTCACAGC[T>C]TGTCCATAGCCTCAACCAGGTATCAACAGATCACATGTAAGTATGATCAATTTTATATCT-3'
Protein context (NP_597677.2, residues 55-75): ACRDDNLVSQ[Leu65Pro]VHSLNQVSTD